The following is an entry in ClinVar:

NM_000203.5(IDUA):c.972+6C>G

Gene: IDUA (alpha-L-iduronidase; plus strand). Cytogenetic location: 4p16.3.
Variant type: single nucleotide variant.
Coding change: c.972+6C>G on transcript NM_000203.5 (MANE Select); 6 bases into the intron after coding-DNA position 972, C replaced by G.
Molecular consequence: intron variant.
Genome position (GRCh38, 1-based): chr4:1,002,167, C>G. VCF-style: chr4-1002167-C-G. GRCh37 (hg19) VCF-style: chr4-995955-C-G.
Other names: c.576+6C>G (NM_001363576.1).
Identifiers: ClinVar variation 3660354 (VCV003660354.2).

ClinVar aggregate classification (germline): Uncertain significance (1 of 4 stars; one submission).

Conditions:
Mucopolysaccharidosis type 1. Also called: Mucopolysaccharidosis Type I; IDUA deficiency; MPS I. Identifiers: Orphanet 579, MedGen C0023786, MONDO:0001586.

gnomAD v4.1: 1 of 1,555,714 alleles (0.000064%); highest among the groups gnomAD compares: Non-Finnish European, 0.000087%; no homozygotes.

Submission:

Labcorp Genetics (formerly Invitae), Labcorp
Classification: Uncertain significance for Mucopolysaccharidosis type 1. Last evaluated: 2024-07-23. Review status: criteria provided, single submitter. Criteria: Invitae Variant Classification Sherloc (09022015). Collection method: clinical testing. Allele origin: germline.
Comment: This sequence change falls in intron 7 of the IDUA gene. It does not directly change the encoded amino acid sequence of the IDUA protein. It affects a nucleotide within the consensus splice site. This variant is not present in population databases (gnomAD no frequency). This variant has not been reported in the literature in individuals affected with IDUA-related conditions. Variants that disrupt the consensus splice site are a relatively common cause of aberrant splicing (PMID: 17576681, 9536098). Algorithms developed to predict the effect of sequence changes on RNA splicing suggest that this variant is not likely to affect RNA splicing. In summary, the available evidence is currently insufficient to determine the role of this variant in disease. Therefore, it has been classified as a Variant of Uncertain Significance.

Literature cited by the submitters: PubMed 17576681; PubMed 9536098.